The following is an entry in ClinVar:

ClinVar aggregate classification (germline): Uncertain significance (1 of 4 stars; one submission).

Submission:

Centre for Mendelian Genomics, University Medical Centre Ljubljana
Classification: Uncertain significance. Last evaluated: 2020-04-02. Review status: criteria provided, single submitter. Criteria: ACMG Guidelines, 2015. Collection method: clinical testing. Allele origin: unknown. Affected: yes.
Comment: This variant was classified as: Uncertain significance. The available evidence on this variant's pathogenicity is insufficient or conflicting. The following ACMG criteria were applied in classifying this variant: PM2.

NM_002203.4(ITGA2):c.2427dup (p.Gln810fs)

Gene: ITGA2 (integrin subunit alpha 2; plus strand). Cytogenetic location: 5q11.2.
Variant type: Duplication.
Coding change: c.2427dup on transcript NM_002203.4 (MANE Select); coding-DNA position 2427, one base duplicated (T; older notation c.2427dupT).
Protein change: p.Gln810fs; shifts the reading frame from glutamine 810.
Molecular consequence: frameshift variant. On other transcripts: non-coding transcript variant (5).
Genome position (GRCh38, 1-based): chr5:53,072,693, T duplicated. VCF-style (leftmost placement, unchanged base first): chr5-53072692-C-CT. GRCh37 (hg19) VCF-style: chr5-52368522-C-CT.
Other names: short protein forms Q810fs.
Identifiers: ClinVar variation 931218 (VCV000931218.3), dbSNP rs1745457945, ClinGen allele CA1139658829.